The following is an entry in ClinVar:

ClinVar aggregate classification (germline): Uncertain significance (1 of 4 stars; one submission).

Conditions:
Dextro-looped transposition of the great arteries. Also called: Dextrotransposition of the great arteries. Identifiers: Orphanet 860, MedGen C3531771, MONDO:0019443, OMIM 608808, HP:0031348.

Submission:

Labcorp Genetics (formerly Invitae), Labcorp
Classification: Uncertain significance for Dextro-looped transposition of the great arteries. Last evaluated: 2022-07-05. Review status: criteria provided, single submitter. Criteria: Invitae Variant Classification Sherloc (09022015). Collection method: clinical testing. Allele origin: germline.
Comment: This variant has not been reported in the literature in individuals affected with MED13L-related conditions. This sequence change replaces lysine, which is basic and polar, with glutamic acid, which is acidic and polar, at codon 475 of the MED13L protein (p.Lys475Glu). This variant is not present in population databases (gnomAD no frequency). ClinVar contains an entry for this variant (Variation ID: 1007935). Advanced modeling of protein sequence and biophysical properties (such as structural, functional, and spatial information, amino acid conservation, physicochemical variation, residue mobility, and thermodynamic stability) performed at Invitae indicates that this missense variant is expected to disrupt MED13L protein function. In summary, the available evidence is currently insufficient to determine the role of this variant in disease. Therefore, it has been classified as a Variant of Uncertain Significance.

NM_015335.5(MED13L):c.1423A>G (p.Lys475Glu)

Gene: MED13L (mediator complex subunit 13L; minus strand). Cytogenetic location: 12q24.21.
Variant type: single nucleotide variant.
Coding change: c.1423A>G on transcript NM_015335.5 (MANE Select); coding-DNA position 1423, A replaced by G.
Protein change: p.Lys475Glu; replaces lysine 475 with glutamic acid.
Molecular consequence: missense variant.
Genome position (GRCh38, 1-based): chr12:116,008,990, T>C on the plus strand (A>G on the coding strand, the complement: MED13L is on the minus strand). VCF-style: chr12-116008990-T-C. GRCh37 (hg19) VCF-style: chr12-116446795-T-C.
Other names: short protein forms K475E.
Identifiers: ClinVar variation 1007935 (VCV001007935.9), dbSNP rs1879225158, ClinGen allele CA386896628.